The following is an entry in ClinVar:

ClinVar aggregate classification (germline): Uncertain significance (1 of 4 stars; one submission).

Conditions:
Familial thoracic aortic aneurysm and aortic dissection (TAAD). Also called: Thoracic aortic aneurysms and dissections. Identifiers: Orphanet 91387, MedGen C4707243, MONDO:0019625.

gnomAD v4.1: 1 of 1,612,260 alleles (0.000062%); highest among the groups gnomAD compares: Non-Finnish European, 0.000085%; no homozygotes.

Submission:

Ambry Genetics
Classification: Uncertain significance for Familial thoracic aortic aneurysm and aortic dissection. Last evaluated: 2025-06-22. Review status: criteria provided, single submitter. Criteria: Ambry Variant Classification Scheme 2023. Collection method: clinical testing. Allele origin: germline.
Comment: The p.T292K variant (also known as c.875C>A), located in coding exon 1 of the SKI gene, results from a C to A substitution at nucleotide position 875. The threonine at codon 292 is replaced by lysine, an amino acid with similar properties. This amino acid position is conserved. In addition, the in silico prediction for this alteration is inconclusive. Based on the available evidence, the clinical significance of this variant remains unclear.

NM_003036.4(SKI):c.875C>A (p.Thr292Lys)

Gene: SKI (SKI proto-oncogene; plus strand). Cytogenetic location: 1p36.33.
Variant type: single nucleotide variant.
Coding change: c.875C>A on transcript NM_003036.4 (MANE Select); coding-DNA position 875, C replaced by A.
Protein change: p.Thr292Lys; replaces threonine 292 with lysine.
Molecular consequence: missense variant.
Genome position (GRCh38, 1-based): chr1:2,229,641, C>A. VCF-style: chr1-2229641-C-A. GRCh37 (hg19) VCF-style: chr1-2161080-C-A.
Other names: short protein forms T292K.
Identifiers: ClinVar variation 4165710 (VCV004165710.1).
Genomic context (GRCh38, chr1:2,229,641, plus strand): 5'-GCCACTGGGGCTTCGACTCGGCCAACTGGCGGGCCTACATCCTGCTGAGCCAGGATTACA[C>A]GGGCAAGGAGGAGCAGGCGCGCCTCGGCCGCTGCCTGGACGACGTGAAGGAGAAATTCGA-3'
Protein context (NP_003027.1, residues 282-302): RAYILLSQDY[Thr292Lys]GKEEQARLGR